The following is an entry in ClinVar:

ClinVar aggregate classification (germline): Uncertain significance. Review status: criteria provided, multiple submitters, no conflicts (2 of 4 stars). 3 submissions from 3 submitters: Uncertain significance (2). 1 of the submissions does not count toward it. Last evaluated 2024-12-09.

Conditions:
Tumor predisposition syndrome 3 (TPDS3). Also called: Melanoma, cutaneous malignant, susceptibility to, 10; Glioma susceptibility 9; LONG TELOMERE SYNDROME, POT1-RELATED; POT1 Tumor Predisposition. Identifiers: Orphanet 618, MedGen C4014476, MONDO:0014368, OMIM 615848.
Hereditary cancer-predisposing syndrome. Also called: Neoplastic Syndromes, Hereditary; Hereditary Cancer Syndrome; Tumor predisposition; Hereditary neoplastic syndrome. Identifiers: Orphanet 140162, MedGen C0027672, MeSH D009386, MONDO:0015356.

Allele frequency attached by ClinVar (database versions not stated): TOPMed below 0.00001; gnomAD exomes below 0.00001.
gnomAD v4.1: 5 of 1,613,924 alleles (0.00031%); highest among the groups gnomAD compares: East Asian, 0.0022%; no homozygotes.

Submissions (3):

Ambry Genetics
Classification: Uncertain significance for Hereditary cancer-predisposing syndrome. Last evaluated: 2024-12-09. Review status: criteria provided, single submitter. Criteria: Ambry Variant Classification Scheme 2023. Collection method: clinical testing. Allele origin: germline.
Comment: The p.R137H variant (also known as c.410G>A), located in coding exon 4 of the POT1 gene, results from a G to A substitution at nucleotide position 410. The arginine at codon 137 is replaced by histidine, an amino acid with highly similar properties. This variant was reported in individual(s) with features consistent with POT1-related tumor predisposition syndrome (Shi J et al. Nat Genet, 2014 May;46:482-6; Goldstein AM et al. JAAD Int, 2023 Jun;11:43-51; Simonin-Wilmer I et al. J Med Genet, 2023 Jul;60:692-696; Ambry internal data). This amino acid position is highly conserved in available vertebrate species. In addition, this alteration is predicted to be deleterious by in silico analysis. Based on the available evidence, the clinical significance of this variant remains unclear.

Labcorp Genetics (formerly Invitae), Labcorp
Classification: Uncertain significance for Tumor predisposition syndrome 3. Last evaluated: 2024-12-08. Review status: criteria provided, single submitter. Criteria: Invitae Variant Classification Sherloc (09022015). Collection method: clinical testing. Allele origin: germline.
Comment: This sequence change replaces arginine, which is basic and polar, with histidine, which is basic and polar, at codon 137 of the POT1 protein (p.Arg137His). This variant is present in population databases (no rsID available, gnomAD 0.01%). This missense change has been observed in individual(s) with melanoma (PMID: 24686846, 36539277). ClinVar contains an entry for this variant (Variation ID: 139523). Invitae Evidence Modeling of protein sequence and biophysical properties (such as structural, functional, and spatial information, amino acid conservation, physicochemical variation, residue mobility, and thermodynamic stability) indicates that this missense variant is not expected to disrupt POT1 protein function with a negative predictive value of 80%. In summary, the available evidence is currently insufficient to determine the role of this variant in disease. Therefore, it has been classified as a Variant of Uncertain Significance.

OMIM
Classification: Pathogenic for TUMOR PREDISPOSITION SYNDROME 3. Last evaluated: 2014-05-01. Review status: no assertion criteria provided. Collection method: literature only. Allele origin: germline. Not counted in ClinVar's aggregate classification.

Literature cited by the submitters: PubMed 24686846 (cited by 3 submitters); PubMed 36539277 (cited by Ambry Genetics and Labcorp Genetics (formerly Invitae), Labcorp); PubMed 36876055 (cited by Ambry Genetics).

NM_015450.3(POT1):c.410G>A (p.Arg137His)

Gene: POT1 (protection of telomeres 1; minus strand). Cytogenetic location: 7q31.33.
Variant type: single nucleotide variant.
Coding change: c.410G>A on transcript NM_015450.3 (MANE Select); coding-DNA position 410, G replaced by A.
Protein change: p.Arg137His; replaces arginine 137 with histidine.
Molecular consequence: missense variant. On other transcripts: non-coding transcript variant (3).
Genome position (GRCh38, 1-based): chr7:124,863,486, C>T on the plus strand (G>A on the coding strand, the complement: POT1 is on the minus strand). VCF-style: chr7-124863486-C-T. GRCh37 (hg19) VCF-style: chr7-124503540-C-T.
Other names: c.17G>A, p.Arg6His (NM_001042594.2); short protein forms R137H, R6H.
Identifiers: ClinVar variation 139523 (VCV000139523.14), dbSNP rs587777475, ClinGen allele CA163230.